The following is an entry in ClinVar:

NM_001379200.1(TBX1):c.612C>G (p.Tyr204Ter)

Gene: TBX1 (T-box transcription factor 1; plus strand). Cytogenetic location: 22q11.21.
Variant type: single nucleotide variant.
Coding change: c.612C>G on transcript NM_001379200.1 (MANE Select); coding-DNA position 612, C replaced by G.
Protein change: p.Tyr204Ter; replaces tyrosine 204 with a stop codon.
Molecular consequence: nonsense.
Genome position (GRCh38, 1-based): chr22:19,764,227, C>G. VCF-style: chr22-19764227-C-G. GRCh37 (hg19) VCF-style: chr22-19751750-C-G.
Other names: c.585C>G, p.Tyr195Ter (NM_005992.1, NM_080646.2, NM_080647.1); short protein forms Y195*, Y204*.
Identifiers: ClinVar variation 3775691 (VCV003775691.1).

ClinVar aggregate classification (germline): Likely pathogenic (1 of 4 stars; one submission).

Conditions:
DiGeorge syndrome. Also called: Catch22; THIRD AND FOURTH PHARYNGEAL POUCH SYNDROME. Identifiers: Orphanet 567, MedGen C0012236, MONDO:0008564, OMIM 188400.

Submission:

3billion
Classification: Likely pathogenic for DiGeorge syndrome. Last evaluated: 2023-08-08. Review status: criteria provided, single submitter. Criteria: ACMG Guidelines, 2015. Collection method: clinical testing. Allele origin: germline. Affected: yes.
Comment: The variant is not observed in the gnomAD v2.1.1 dataset. Predicted Consequence/Location: Stop-gained (nonsense): predicted to result in a loss or disruption of normal protein function through nonsense-mediated decay (NMD) or protein truncation. Multiple pathogenic variants are reported downstream of the variant. Therefore, this variant is classified as Likely pathogenic according to the recommendation of ACMG/AMP guideline.